The following is an entry in ClinVar:

NM_001177701.3(IFT27):c.194C>G (p.Ser65Cys)

Genes: CACNG2-DT (CACNG2 divergent transcript; plus strand), IFT27 (intraflagellar transport 27; minus strand), LOC126863139 (CDK7 strongly-dependent group 2 enhancer GRCh37_chr22:37161913-37163112; plus strand). Cytogenetic location: 22q12.3.
Variant type: single nucleotide variant.
Coding change: c.194C>G on transcript NM_001177701.3 (MANE Select); coding-DNA position 194, C replaced by G.
Protein change: p.Ser65Cys; replaces serine 65 with cysteine.
Molecular consequence: missense variant.
Genome position (GRCh38, 1-based): chr22:36,766,178, G>C on the plus strand (C>G on the coding strand, the complement: IFT27 is on the minus strand). VCF-style: chr22-36766178-G-C. GRCh37 (hg19) VCF-style: chr22-37162222-G-C.
Other names: c.194C>G, p.Ser65Cys (NM_001363003.2); c.191C>G, p.Ser64Cys (NM_006860.5); short protein forms S65C, S64C.
Identifiers: ClinVar variation 4996974 (VCV004996974.1).

ClinVar aggregate classification (germline): Uncertain significance (1 of 4 stars; one submission).

Conditions:
IFT27-related disorder. Also called: IFT27-related condition.

Submission:

PreventionGenetics, part of Exact Sciences
Classification: Uncertain significance for IFT27-related condition. Last evaluated: 2025-04-24. Review status: criteria provided, single submitter. Criteria: ACMG Guidelines, 2015. Collection method: clinical testing. Allele origin: germline.
Comment: The IFT27 c.191C>G variant is predicted to result in the amino acid substitution p.Ser64Cys. To our knowledge, this variant has not been reported in the literature or in a large population database (gnomAD), indicating this variant is rare. At this time, the clinical significance of this variant is uncertain due to the absence of conclusive functional and genetic evidence.